The following is an entry in ClinVar:

NM_002474.3(MYH11):c.445G>A (p.Glu149Lys)

Gene: MYH11 (myosin heavy chain 11; minus strand). Cytogenetic location: 16p13.11.
Variant type: single nucleotide variant.
Coding change: c.445G>A on transcript NM_002474.3 (MANE Select); coding-DNA position 445, G replaced by A.
Protein change: p.Glu149Lys; replaces glutamic acid 149 with lysine.
Molecular consequence: missense variant.
Genome position (GRCh38, 1-based): chr16:15,823,312, C>T on the plus strand (G>A on the coding strand, the complement: MYH11 is on the minus strand). VCF-style: chr16-15823312-C-T. GRCh37 (hg19) VCF-style: chr16-15917169-C-T.
Other names: c.445G>A, p.Glu149Lys (NM_001040113.2, NM_001040114.2, NM_022844.3); short protein forms E149K.
Identifiers: ClinVar variation 4529965 (VCV004529965.1).

ClinVar aggregate classification (germline): Uncertain significance (1 of 4 stars; one submission).

gnomAD v4.1: 2 of 1,614,206 alleles (0.00012%); highest among the groups gnomAD compares: Non-Finnish European, 0.00017%; no homozygotes.

Submission:

GeneDx
Classification: Uncertain significance. Last evaluated: 2025-05-13. Review status: criteria provided, single submitter. Criteria: GeneDx Variant Classification Process June 2021. Collection method: clinical testing. Allele origin: germline. Affected: yes.
Comment: Not observed at significant frequency in large population cohorts (gnomAD); In silico analysis supports that this missense variant has a deleterious effect on protein structure/function; Has not been previously published as pathogenic or benign to our knowledge